The following is an entry in ClinVar:

ClinVar aggregate classification (germline): Uncertain significance. Review status: criteria provided, multiple submitters, no conflicts (2 of 4 stars). 3 submissions from 3 submitters: Uncertain significance (3). Last evaluated 2025-04-22.

Conditions:
Xanthinuria type II. Also called: Xanthine dehydrogenase and aldehyde oxidase combined deficiency of; XDH and AOX dual deficiency. Identifiers: Orphanet 3467, Orphanet 93602, MedGen C1863688, MONDO:0011346, OMIM 603592.

Allele frequency attached by ClinVar (database versions not stated): ExAC 0.00002; gnomAD 0.00003; TOPMed 0.00006.
gnomAD v4.1: 48 of 1,614,102 alleles (0.003%); highest among the groups gnomAD compares: African/African-American, 0.0067%; no homozygotes.

Submissions (3):

Labcorp Genetics (formerly Invitae), Labcorp
Classification: Uncertain significance for Xanthinuria type II. Last evaluated: 2025-04-22. Review status: criteria provided, single submitter. Criteria: Invitae Variant Classification Sherloc (09022015). Collection method: clinical testing. Allele origin: germline.
Comment: This sequence change replaces valine, which is neutral and non-polar, with methionine, which is neutral and non-polar, at codon 243 of the MOCOS protein (p.Val243Met). This variant is present in population databases (rs764624608, gnomAD 0.01%). This variant has not been reported in the literature in individuals affected with MOCOS-related conditions. ClinVar contains an entry for this variant (Variation ID: 3188788). Invitae Evidence Modeling of protein sequence and biophysical properties (such as structural, functional, and spatial information, amino acid conservation, physicochemical variation, residue mobility, and thermodynamic stability) has been performed for this missense variant. However, the output from this modeling did not meet the statistical confidence thresholds required to predict the impact of this variant on MOCOS protein function. In summary, the available evidence is currently insufficient to determine the role of this variant in disease. Therefore, it has been classified as a Variant of Uncertain Significance.

Fulgent Genetics
Classification: Uncertain significance for Xanthinuria type II. Last evaluated: 2024-04-09. Review status: criteria provided, single submitter. Criteria: ACMG Guidelines, 2015. Collection method: clinical testing. Allele origin: germline.

Ambry Genetics
Classification: Uncertain significance. Last evaluated: 2024-02-21. Review status: criteria provided, single submitter. Criteria: Ambry Variant Classification Scheme 2023. Collection method: clinical testing. Allele origin: germline.

NM_017947.4(MOCOS):c.727G>A (p.Val243Met)

Gene: MOCOS (molybdenum cofactor sulfurase; plus strand). Cytogenetic location: 18q12.2.
Variant type: single nucleotide variant.
Coding change: c.727G>A on transcript NM_017947.4 (MANE Select); coding-DNA position 727, G replaced by A.
Protein change: p.Val243Met; replaces valine 243 with methionine.
Molecular consequence: missense variant.
Genome position (GRCh38, 1-based): chr18:36,200,110, G>A. VCF-style: chr18-36200110-G-A. GRCh37 (hg19) VCF-style: chr18-33780073-G-A.
Other names: short protein forms V243M.
Identifiers: ClinVar variation 3188788 (VCV003188788.3), dbSNP rs764624608, ClinGen allele CA8940492.